The following is an entry in ClinVar:

ClinVar aggregate classification (germline): Uncertain significance (1 of 4 stars; one submission).

Submission:

Labcorp Genetics (formerly Invitae), Labcorp
Classification: Uncertain significance. Last evaluated: 2023-04-09. Review status: criteria provided, single submitter. Criteria: Invitae Variant Classification Sherloc (09022015). Collection method: clinical testing. Allele origin: germline.
Comment: Experimental studies and prediction algorithms are not available or were not evaluated, and the functional significance of this variant is currently unknown. This variant has not been reported in the literature in individuals affected with DDX3X-related conditions. This variant is not present in population databases (gnomAD no frequency). This sequence change replaces tyrosine, which is neutral and polar, with cysteine, which is neutral and slightly polar, at codon 601 of the DDX3X protein (p.Tyr601Cys). In summary, the available evidence is currently insufficient to determine the role of this variant in disease. Therefore, it has been classified as a Variant of Uncertain Significance.

NM_001356.5(DDX3X):c.1805A>G (p.Tyr602Cys)

Gene: DDX3X (DEAD-box helicase 3 X-linked; plus strand). Cytogenetic location: Xp11.4.
Variant type: single nucleotide variant.
Coding change: c.1805A>G on transcript NM_001356.5 (MANE Select); coding-DNA position 1805, A replaced by G.
Protein change: p.Tyr602Cys; replaces tyrosine 602 with cysteine.
Molecular consequence: missense variant. On other transcripts: non-coding transcript variant (1).
Genome position (GRCh38, 1-based): chrX:41,347,347, A>G. VCF-style: chrX-41347347-A-G. GRCh37 (hg19) VCF-style: chrX-41206600-A-G.
Other names: c.1802A>G, p.Tyr601Cys (NM_001193416.3); c.1757A>G, p.Tyr586Cys (NM_001193417.3); c.1244A>G, p.Tyr415Cys (NM_001363819.1); short protein forms Y415C, Y586C, Y602C, Y601C.
Identifiers: ClinVar variation 2853769 (VCV002853769.3), dbSNP rs2519527556, ClinGen allele CA412778822.